The following is an entry in ClinVar:

NC_000022.11:g.(?_28695117)_(28703576_?)del

Gene: CHEK2 (checkpoint kinase 2; minus strand). Cytogenetic location: 22q12.1.
Variant type: Deletion.
Identifiers: ClinVar variation 3247480 (VCV003247480.1).

ClinVar aggregate classification (germline): Pathogenic (1 of 4 stars; one submission).

Conditions:
Familial cancer of breast. Also called: BREAST CANCER, FAMILIAL; Hereditary breast cancer; hereditary breast carcinoma. Identifiers: Orphanet 227535, MedGen C0346153, MONDO:0016419, OMIM 114480. Disease mechanism: loss of function.

Submission:

Labcorp Genetics (formerly Invitae), Labcorp
Classification: Pathogenic for Familial cancer of breast. Last evaluated: 2023-10-13. Review status: criteria provided, single submitter. Criteria: Invitae Variant Classification Sherloc (09022015). Collection method: clinical testing. Allele origin: unknown.
Comment: This variant is a gross deletion of the genomic region encompassing exon(s) 8-12 of the CHEK2 gene. This deletion is out-of-frame, and is expected to create a premature termination codon and result in an absent or disrupted protein product. Loss-of-function variants in CHEK2 are known to be pathogenic (PMID: 21876083, 24713400). This variant has not been reported in the literature in individuals affected with CHEK2-related conditions. For these reasons, this variant has been classified as Pathogenic.

Literature cited by the submitters: PubMed 21876083; PubMed 24713400.